The following is an entry in ClinVar:

ClinVar aggregate classification (germline): Uncertain significance (1 of 4 stars; one submission).

Conditions:
Joubert syndrome. Also called: CEREBELLOPARENCHYMAL DISORDER IV; JOUBERT-BOLTSHAUSER SYNDROME; Familial aplasia of the vermis. Identifiers: Orphanet 475, MedGen C5979921, MONDO:0018772.
Nephronophthisis. Also called: Juvenile Nephronophthisis. Identifiers: Orphanet 655, MedGen C0687120, MONDO:0019005, HP:0000090.
Meckel-Gruber syndrome. Also called: DYSENCEPHALIA SPLANCHNOCYSTICA; GRUBER SYNDROME; Dysencephalia splachnocystica. Identifiers: Orphanet 564, MedGen C0265215, MONDO:0018921.

Submission:

Labcorp Genetics (formerly Invitae), Labcorp
Classification: Uncertain significance for Joubert syndrome; Meckel-Gruber syndrome; Nephronophthisis. Last evaluated: 2023-05-15. Review status: criteria provided, single submitter. Criteria: Invitae Variant Classification Sherloc (09022015). Collection method: clinical testing. Allele origin: germline.
Comment: This variant has not been reported in the literature in individuals affected with CEP290-related conditions. This sequence change replaces leucine, which is neutral and non-polar, with valine, which is neutral and non-polar, at codon 539 of the CEP290 protein (p.Leu539Val). This variant is not present in population databases (gnomAD no frequency). ClinVar contains an entry for this variant (Variation ID: 1404587). Advanced modeling of protein sequence and biophysical properties (such as structural, functional, and spatial information, amino acid conservation, physicochemical variation, residue mobility, and thermodynamic stability) performed at Invitae indicates that this missense variant is not expected to disrupt CEP290 protein function. In summary, the available evidence is currently insufficient to determine the role of this variant in disease. Therefore, it has been classified as a Variant of Uncertain Significance.

NM_025114.4(CEP290):c.1615T>G (p.Leu539Val)

Gene: CEP290 (centrosomal protein 290; minus strand). Cytogenetic location: 12q21.32.
Variant type: single nucleotide variant.
Coding change: c.1615T>G on transcript NM_025114.4 (MANE Select); coding-DNA position 1615, T replaced by G.
Protein change: p.Leu539Val; replaces leucine 539 with valine.
Molecular consequence: missense variant.
Genome position (GRCh38, 1-based): chr12:88,118,651, A>C on the plus strand (T>G on the coding strand, the complement: CEP290 is on the minus strand). VCF-style: chr12-88118651-A-C. GRCh37 (hg19) VCF-style: chr12-88512428-A-C.
Other names: short protein forms L539V.
Identifiers: ClinVar variation 1404587 (VCV001404587.8), dbSNP rs2137873551, ClinGen allele CA385979142.